The following is an entry in ClinVar:

ClinVar aggregate classification (germline): Likely benign (1 of 4 stars; one submission).

Conditions:
H19-related disorder. Also called: H19-related condition.

Submission:

PreventionGenetics, part of Exact Sciences
Classification: Likely benign for H19-related condition. Last evaluated: 2025-12-30. Review status: criteria provided, single submitter. Criteria: ACMG Guidelines, 2015. Collection method: clinical testing. Allele origin: germline.
Comment: This variant is classified as likely benign based on ACMG/AMP sequence variant interpretation guidelines (Richards et al. 2015 PMID: 25741868, with internal and published modifications).

NC_000011.10:g.2001004T>G

Genes: H19 (H19 imprinted maternally expressed transcript; minus strand), H19-ICR (H19/IGF2 imprinting control region; plus strand), MRPL23 (mitochondrial ribosomal protein L23; plus strand). Cytogenetic location: 11p15.5.
Variant type: single nucleotide variant.
Molecular consequence: intron variant (on NM_001400176.1).
Genome position: GRCh38 VCF-style: chr11-2001004-T-G. GRCh37 (hg19) VCF-style: chr11-2022234-T-G.
Other names: c.498-10537T>G (NM_001400176.1).
Identifiers: ClinVar variation 4985207 (VCV004985207.1).